The following is an entry in ClinVar:

NM_002878.4(RAD51D):c.254G>C (p.Gly85Ala)

Genes: RAD51L3-RFFL (RAD51L3-RFFL readthrough; minus strand), RAD51D (RAD51 paralog D; minus strand). Cytogenetic location: 17q12.
Variant type: single nucleotide variant.
Coding change: c.254G>C on transcript NM_002878.4 (MANE Select); coding-DNA position 254, G replaced by C.
Protein change: p.Gly85Ala; replaces glycine 85 with alanine.
Molecular consequence: missense variant. On other transcripts: intron variant (2).
Genome position (GRCh38, 1-based): chr17:35,118,510, C>G on the plus strand (G>C on the coding strand, the complement: RAD51D is on the minus strand). VCF-style: chr17-35118510-C-G. GRCh37 (hg19) VCF-style: chr17-33445529-C-G.
Other names: c.144+601G>C (NM_133629.3, NM_001142571.2); short protein forms G85A.
Identifiers: ClinVar variation 1171308 (VCV001171308.3), dbSNP rs2091775772, ClinGen allele CA399091190.

ClinVar aggregate classification (germline): Uncertain significance (1 of 4 stars; one submission).

Conditions:
Hereditary cancer-predisposing syndrome. Also called: Tumor predisposition; Hereditary neoplastic syndrome; Hereditary Cancer Syndrome; Neoplastic Syndromes, Hereditary. Identifiers: Orphanet 140162, MedGen C0027672, MeSH D009386, MONDO:0015356.

Submission:

Color Diagnostics, LLC DBA Color Health
Classification: Uncertain significance for Hereditary cancer-predisposing syndrome. Last evaluated: 2024-03-07. Review status: criteria provided, single submitter. Criteria: ACMG Guidelines, 2015. Collection method: clinical testing. Allele origin: germline.
Comment: This missense variant replaces glycine with alanine at codon 85 of the RAD51D protein. Computational prediction suggests that this variant may have deleterious impact on protein structure and function (internally defined REVEL score threshold >= 0.7, PMID: 27666373). To our knowledge, functional studies have not been reported for this variant. This variant has not been reported in individuals affected with hereditary cancer in the literature. This variant has not been identified in the general population by the Genome Aggregation Database (gnomAD). The available evidence is insufficient to determine the role of this variant in disease conclusively. Therefore, this variant is classified as a Variant of Uncertain Significance.